The following is an entry in ClinVar:

NM_002107.7(H3-3A):c.78T>C (p.Ala26=)

Gene: H3-3A (H3.3 histone A; plus strand). Cytogenetic location: 1q42.12.
Variant type: single nucleotide variant.
Coding change: c.78T>C on transcript NM_002107.7 (MANE Select); coding-DNA position 78, T replaced by C.
Protein change: p.Ala26=; no amino-acid change (alanine 26 retained).
Molecular consequence: synonymous variant.
Genome position (GRCh38, 1-based): chr1:226,064,429, T>C. VCF-style: chr1-226064429-T-C. GRCh37 (hg19) VCF-style: chr1-226252130-T-C.
Other names: c.78T>C, p.Ala26= (NM_001379043.1, NM_001379045.1, NM_001379046.1 and 1 more transcripts).
Identifiers: ClinVar variation 3040853 (VCV003040853.10), dbSNP rs200633260, ClinGen allele CA1421145.

ClinVar aggregate classification (germline): Likely benign. Review status: criteria provided, single submitter (1 of 4 stars). 2 submissions from 2 submitters: Likely benign (1). 1 of the submissions does not count toward it. Last evaluated 2025-08-01.

Conditions:
H3-3A-related disorder. Also called: H3-3A-related condition.

Allele frequency attached by ClinVar (database versions not stated): ESP Exome Variant Server 0.00023; TOPMed 0.00035; gnomAD 0.00049; ExAC 0.00063; gnomAD exomes 0.00068.
gnomAD v4.1: 1,054 of 1,612,752 alleles (0.065%); highest among the groups gnomAD compares: Non-Finnish European, 0.077%; 2 homozygotes.

Submissions (2):

CeGaT Center for Human Genetics Tuebingen
Classification: Likely benign. Last evaluated: 2025-08-01. Review status: criteria provided, single submitter. Criteria: CeGaT Center For Human Genetics Tuebingen Variant Classification Criteria Version 2. Collection method: clinical testing. Allele origin: germline. Affected: yes. Observed: 1 variant allele.
Comment: H3-3A: BP4, BP7

PreventionGenetics, part of Exact Sciences
Classification: Likely benign for H3-3A-related condition. Last evaluated: 2019-03-19. Review status: no assertion criteria provided. Collection method: clinical testing. Allele origin: germline. Not counted in ClinVar's aggregate classification.
Comment: This variant is classified as likely benign based on ACMG/AMP sequence variant interpretation guidelines (Richards et al. 2015 PMID: 25741868, with internal and published modifications).